The following is an entry in ClinVar:

ClinVar aggregate classification (germline): Uncertain significance (1 of 4 stars; one submission).

Conditions:
SEMA3B-related disorder. Also called: SEMA3B-related condition.

gnomAD v4.1: 2 of 1,608,234 alleles (0.00012%); highest among the groups gnomAD compares: Non-Finnish European, 0.00017%; no homozygotes.

Submission:

PreventionGenetics, part of Exact Sciences
Classification: Uncertain significance for SEMA3B-related condition. Last evaluated: 2025-07-03. Review status: criteria provided, single submitter. Criteria: ACMG Guidelines, 2015. Collection method: clinical testing. Allele origin: germline.
Comment: The SEMA3B c.1834C>T variant is predicted to result in the amino acid substitution p.Arg612Cys. To our knowledge, this variant has not been reported in the literature or in a large population database (gnomAD), indicating this variant is rare. At this time, the clinical significance of this variant is uncertain due to the absence of conclusive functional and genetic evidence.

NM_001290060.2(SEMA3B):c.1819C>T (p.Arg607Cys)

Gene: SEMA3B (semaphorin 3B; plus strand). Cytogenetic location: 3p21.31.
Variant type: single nucleotide variant.
Coding change: c.1819C>T on transcript NM_001290060.2 (MANE Select); coding-DNA position 1819, C replaced by T.
Protein change: p.Arg607Cys; replaces arginine 607 with cysteine.
Molecular consequence: missense variant. On other transcripts: non-coding transcript variant (1).
Genome position (GRCh38, 1-based): chr3:50,275,818, C>T. VCF-style: chr3-50275818-C-T. GRCh37 (hg19) VCF-style: chr3-50313249-C-T.
Other names: c.1816C>T, p.Arg606Cys (NM_001005914.3, NM_001435957.1, NM_001435958.1); c.1834C>T, p.Arg612Cys (NM_001290061.1); c.790C>T, p.Arg264Cys (NM_001290062.2, NM_001290063.2); c.1819C>T, p.Arg607Cys (NM_001435956.1, NM_004636.4); short protein forms R606C, R607C, R612C, R264C.
Identifiers: ClinVar variation 5000189 (VCV005000189.1).